The following is an entry in ClinVar:

ClinVar aggregate classification (germline): Benign/Likely benign. Review status: criteria provided, multiple submitters, no conflicts (2 of 4 stars). 5 submissions from 5 submitters: Benign (2); Likely benign (2). 1 of the submissions does not count toward it. Last evaluated 2026-03-01.

Conditions:
RORB-related disorder. Also called: RORB-related condition.

Allele frequency attached by ClinVar (database versions not stated): gnomAD exomes 0.00049 and 0.00091; ExAC 0.00082; 1000 Genomes Project 30x 0.00109; 1000 Genomes Project 0.00120; gnomAD 0.00163 and 0.00169; ESP Exome Variant Server 0.00208; TOPMed 0.00234.
gnomAD v4.1: 983 of 1,613,834 alleles (0.061%); highest among the groups gnomAD compares: African/African-American, 0.43%; 2 homozygotes.

Submissions (5):

CeGaT Center for Human Genetics Tuebingen
Classification: Likely benign. Last evaluated: 2026-03-01. Review status: criteria provided, single submitter. Criteria: CeGaT Center For Human Genetics Tuebingen Variant Classification Criteria Version 2. Collection method: clinical testing. Allele origin: germline. Affected: yes. Observed: 6 variant alleles.
Comment: RORB: BP4, BP7, BS1

Labcorp Genetics (formerly Invitae), Labcorp
Classification: Benign. Last evaluated: 2026-02-03. Review status: criteria provided, single submitter. Criteria: Invitae Variant Classification Sherloc (09022015). Collection method: clinical testing. Allele origin: germline.

Blueprint Genetics
Classification: Likely benign. Last evaluated: 2024-10-15. Review status: criteria provided, single submitter. Criteria: ACMG Guidelines, 2015. Collection method: clinical testing. Allele origin: germline.

Breakthrough Genomics
Classification: Benign. Review status: criteria provided, single submitter. Criteria: ACMG Guidelines, 2015. Collection method: not provided. Allele origin: germline. Inheritance: Autosomal dominant inheritance. Affected: yes.

PreventionGenetics, part of Exact Sciences
Classification: Benign for RORB-related condition. Last evaluated: 2019-07-18. Review status: no assertion criteria provided. Collection method: clinical testing. Allele origin: germline. Not counted in ClinVar's aggregate classification.
Comment: This variant is classified as benign based on ACMG/AMP sequence variant interpretation guidelines (Richards et al. 2015 PMID: 25741868, with internal and published modifications).

NM_006914.4(RORB):c.714G>A (p.Ala238=)

Gene: RORB (RAR related orphan receptor B; plus strand). Cytogenetic location: 9q21.13.
Variant type: single nucleotide variant.
Coding change: c.714G>A on transcript NM_006914.4 (MANE Select); coding-DNA position 714, G replaced by A.
Protein change: p.Ala238=; no amino-acid change (alanine 238 retained).
Molecular consequence: synonymous variant.
Genome position (GRCh38, 1-based): chr9:74,660,693, G>A. VCF-style: chr9-74660693-G-A. GRCh37 (hg19) VCF-style: chr9-77275609-G-A.
Other names: c.714G>A (NM_006914.3); c.747G>A, p.Ala249= (NM_001365023.1).
Identifiers: ClinVar variation 1599559 (VCV001599559.35), dbSNP rs138739090, ClinGen allele CA5083428.